The following is an entry in ClinVar:

NM_004544.4(NDUFA10):c.589G>A (p.Asp197Asn)

Gene: NDUFA10 (NADH:ubiquinone oxidoreductase subunit A10; minus strand). Cytogenetic location: 2q37.3.
Variant type: single nucleotide variant.
Coding change: c.589G>A on transcript NM_004544.4 (MANE Select); coding-DNA position 589, G replaced by A.
Protein change: p.Asp197Asn; replaces aspartic acid 197 with asparagine.
Molecular consequence: missense variant. On other transcripts: non-coding transcript variant (4).
Genome position (GRCh38, 1-based): chr2:240,014,819, C>T on the plus strand (G>A on the coding strand, the complement: NDUFA10 is on the minus strand). VCF-style: chr2-240014819-C-T. GRCh37 (hg19) VCF-style: chr2-240954236-C-T.
Other names: c.589G>A, p.Asp197Asn (NM_001322019.2, NM_001322020.2, NM_001410987.1); short protein forms D197N.
Identifiers: ClinVar variation 3373298 (VCV003373298.1).

ClinVar aggregate classification (germline): Uncertain significance (1 of 4 stars; one submission).

gnomAD v4.1: 12 of 1,614,166 alleles (0.00074%); highest among the groups gnomAD compares: East Asian, 0.0067%; no homozygotes.

Submission:

GeneDx
Classification: Uncertain significance. Last evaluated: 2024-05-01. Review status: criteria provided, single submitter. Criteria: GeneDx Variant Classification Process June 2021. Collection method: clinical testing. Allele origin: germline. Affected: yes.
Comment: Not observed at significant frequency in large population cohorts (gnomAD); In silico analysis indicates that this missense variant does not alter protein structure/function; Has not been previously published as pathogenic or benign to our knowledge